The following is an entry in ClinVar:

ClinVar aggregate classification (germline): Benign/Likely benign. Review status: criteria provided, multiple submitters, no conflicts (2 of 4 stars). 7 submissions from 7 submitters: Benign (3); Likely benign (3). 1 of the submissions does not count toward it. Last evaluated 2026-01-26.

Conditions:
Inborn genetic diseases. Identifiers: MedGen C0950123, MeSH D030342.
Charcot-Marie-Tooth disease axonal type 2O. Also called: CHARCOT-MARIE-TOOTH NEUROPATHY, AXONAL, TYPE 2O; CHARCOT-MARIE-TOOTH DISEASE, AXONAL, AUTOSOMAL DOMINANT, TYPE 2O; Charcot-Marie-Tooth disease, axonal, type 20; Charcot-Marie-Tooth Neuropathy Type 2O. Identifiers: Orphanet 284232, MedGen C3280220, MONDO:0013644, OMIM 614228.
DYNC1H1-related disorder. Also called: DYNC1H1-related condition; DYNC1H1-related disorders. Identifiers: MedGen CN381529.
Charcot-Marie-Tooth disease. Also called: Charcot-Marie-Tooth Hereditary Neuropathy; Charcot-Marie-Tooth Neuropathy. Identifiers: Orphanet 166, MedGen C0007959, MONDO:0015626.

Allele frequency attached by ClinVar (database versions not stated): gnomAD exomes 0.00005 and 0.00010; ExAC 0.00014; gnomAD 0.00042 and 0.00046; TOPMed 0.00053; 1000 Genomes Project 0.00060; 1000 Genomes Project 30x 0.00078; ESP Exome Variant Server 0.00085.

Submissions (7):

Labcorp Genetics (formerly Invitae), Labcorp
Classification: Benign for Charcot-Marie-Tooth disease axonal type 2O. Last evaluated: 2026-01-26. Review status: criteria provided, single submitter. Criteria: Invitae Variant Classification Sherloc (09022015). Collection method: clinical testing. Allele origin: germline.

Blueprint Genetics
Classification: Likely benign. Last evaluated: 2024-09-04. Review status: criteria provided, single submitter. Criteria: ACMG Guidelines, 2015. Collection method: clinical testing. Allele origin: germline.

GeneDx
Classification: Benign. Last evaluated: 2020-12-17. Review status: criteria provided, single submitter. Criteria: GeneDx Variant Classification Process June 2021. Collection method: clinical testing. Allele origin: germline. Affected: yes.

Ambry Genetics
Classification: Benign for Inborn genetic diseases. Last evaluated: 2019-08-08. Review status: criteria provided, single submitter. Criteria: Ambry Variant Classification Scheme 2023. Collection method: clinical testing. Allele origin: germline.

Genetic Services Laboratory, University of Chicago
Classification: Likely benign. Last evaluated: 2015-10-20. Review status: criteria provided, single submitter. Criteria: ACMG Guidelines, 2015. Collection method: clinical testing. Allele origin: germline. Affected: no.

Molecular Genetics Laboratory, London Health Sciences Centre
Classification: Likely benign for Charcot-Marie-Tooth disease. Review status: criteria provided, single submitter. Criteria: ACMG Guidelines, 2015. Collection method: clinical testing. Allele origin: germline. Affected: yes.

PreventionGenetics, part of Exact Sciences
Classification: Likely benign for DYNC1H1-related condition. Last evaluated: 2019-06-18. Review status: no assertion criteria provided. Collection method: clinical testing. Allele origin: germline. Not counted in ClinVar's aggregate classification.
Comment: This variant is classified as likely benign based on ACMG/AMP sequence variant interpretation guidelines (Richards et al. 2015 PMID: 25741868, with internal and published modifications).

NM_001376.5(DYNC1H1):c.4509C>T (p.Ser1503=)

Gene: DYNC1H1 (dynein cytoplasmic 1 heavy chain 1; plus strand). Cytogenetic location: 14q32.31.
Variant type: single nucleotide variant.
Coding change: c.4509C>T on transcript NM_001376.5 (MANE Select); coding-DNA position 4509, C replaced by T.
Protein change: p.Ser1503=; no amino-acid change (serine 1503 retained).
Molecular consequence: synonymous variant.
Genome position (GRCh38, 1-based): chr14:102,001,648, C>T. VCF-style: chr14-102001648-C-T. GRCh37 (hg19) VCF-style: chr14-102467985-C-T.
Identifiers: ClinVar variation 434970 (VCV000434970.23), dbSNP rs116089522, ClinGen allele CA7352245.
Genomic context (GRCh38, chr14:102,001,648, plus strand): 5'-GTGCCGCTTGATCCGTGGCTGGGATGACCTCTTCAACAAGGTCAAAGAACACATCAACAG[C>T]GTCTCGGCCATGAAGCTCTCTCCGTATTACAAGGTGCTGTTGCTGGGGAAGCTTTCCCTC-3'
Protein context (NP_001367.2, residues 1493-1513): LFNKVKEHIN[Ser1503=]VSAMKLSPYY